The following is an entry in ClinVar:

ClinVar aggregate classification (germline): Uncertain significance (1 of 4 stars; one submission).

Allele frequency attached by ClinVar (database versions not stated): TOPMed 0.00005; gnomAD 0.00004; ExAC 0.00005; ESP Exome Variant Server 0.00023.
gnomAD v4.1: 76 of 1,614,008 alleles (0.0047%); highest among the groups gnomAD compares: Non-Finnish European, 0.0062%; no homozygotes.

Submission:

Labcorp Genetics (formerly Invitae), Labcorp
Classification: Uncertain significance. Last evaluated: 2025-06-17. Review status: criteria provided, single submitter. Criteria: Invitae Variant Classification Sherloc (09022015). Collection method: clinical testing. Allele origin: germline.
Comment: This sequence change replaces tyrosine, which is neutral and polar, with aspartic acid, which is acidic and polar, at codon 268 of the P4HB protein (p.Tyr268Asp). This variant is present in population databases (rs149995643, gnomAD 0.009%). This missense change has been observed in individual(s) with P4HB-related conditions (PMID: 38318288). ClinVar contains an entry for this variant (Variation ID: 2884550). Invitae Evidence Modeling of protein sequence and biophysical properties (such as structural, functional, and spatial information, amino acid conservation, physicochemical variation, residue mobility, and thermodynamic stability) indicates that this missense variant is not expected to disrupt P4HB protein function with a negative predictive value of 80%. In summary, the available evidence is currently insufficient to determine the role of this variant in disease. Therefore, it has been classified as a Variant of Uncertain Significance.

Literature cited by the submitters: PubMed 38318288.

NM_000918.4(P4HB):c.802T>G (p.Tyr268Asp)

Gene: P4HB (prolyl 4-hydroxylase subunit beta; minus strand). Cytogenetic location: 17q25.3.
Variant type: single nucleotide variant.
Coding change: c.802T>G on transcript NM_000918.4 (MANE Select); coding-DNA position 802, T replaced by G.
Protein change: p.Tyr268Asp; replaces tyrosine 268 with aspartic acid.
Molecular consequence: missense variant.
Genome position (GRCh38, 1-based): chr17:81,847,000, A>C on the plus strand (T>G on the coding strand, the complement: P4HB is on the minus strand). VCF-style: chr17-81847000-A-C. GRCh37 (hg19) VCF-style: chr17-79804876-A-C.
Other names: short protein forms Y268D.
Identifiers: ClinVar variation 2884550 (VCV002884550.3), dbSNP rs149995643, ClinGen allele CA8842838.